The following is an entry in ClinVar:

ClinVar aggregate classification (germline): Pathogenic/Likely pathogenic. Review status: criteria provided, multiple submitters, no conflicts (2 of 4 stars). 2 submissions from 2 submitters: Pathogenic (1); Likely pathogenic (1). Last evaluated 2026-09-01.

Conditions:
Hypophosphatasia. Also called: Phosphoethanol-aminuria. Identifiers: Orphanet 436, MedGen C0020630, MeSH D007014, MONDO:0018570.

Submissions (2):

Genomenon, Inc
Classification: Pathogenic for Hypophosphatasia. Last evaluated: 2026-09-01. Review status: criteria provided, single submitter. Criteria: Genomenon Sequence Variant Interpretation Standards - Updated. Collection method: curation. Allele origin: germline. Affected: yes.
Comment: ALPL p.Phe290Leu (c.870C>G) is a missense variant that changes the amino acid at codon 290 from Phenylalanine to Leucine. This variant has been observed in at least one proband affected with an ALPL-related disorder (PMID:37600704). The variant was found to segregate with disease in at least one affected family (PMID:37600704). At least one functional study has demonstrated a substantial alteration in protein function relative to the wild-type (PMID:41294821). It is absent or not present at a significant frequency in gnomAD. In silico models predict that this variant is possibly or probably damaging. In conclusion, we classify ALPL p.Phe290Leu (c.870C>G) as a pathogenic variant.

JKU Lab, Dept of Paediatrics, Johannes Kepler University
Classification: Likely pathogenic for Hypophosphatasia. Last evaluated: 2026-04-14. Review status: criteria provided, single submitter. Criteria: ACMG Guidelines, 2015. Collection method: curation, in vitro. Allele origin: germline, not applicable. Affected: yes. Functional consequence: decreased enzyme activity.
Comment: This missense variant is not present in GnomAD 4.1 and affects a highly conserved amino acid in the calcium site domain. The variant is predicted to affect protein function (REVEL score: 0.823). Splice-prediction algorithms predict no effect on splicing. In vitro functional studies showed reduced ALP activity without a dominant negative effect. This variant has been reported in the literature in individuals affected by ALPL-related conditions (PMID:37600704). The results of the functional testing and the applied ACMG criteria can be viewed at an online resource

Literature cited by the submitters: PubMed 37600704 (cited by Genomenon, Inc and JKU Lab, Dept of Paediatrics, Johannes Kepler University); PubMed 41294821 (cited by Genomenon, Inc).

NM_000478.6(ALPL):c.870C>G (p.Phe290Leu)

Gene: ALPL (alkaline phosphatase, biomineralization associated; plus strand). Cytogenetic location: 1p36.12.
Variant type: single nucleotide variant.
Coding change: c.870C>G on transcript NM_000478.6 (MANE Select); coding-DNA position 870, C replaced by G.
Protein change: p.Phe290Leu; replaces phenylalanine 290 with leucine.
Molecular consequence: missense variant.
Genome position (GRCh38, 1-based): chr1:21,573,672, C>G. VCF-style: chr1-21573672-C-G. GRCh37 (hg19) VCF-style: chr1-21900165-C-G.
Other names: c.705C>G, p.Phe235Leu (NM_001127501.4); c.639C>G, p.Phe213Leu (NM_001177520.3); c.870C>G, p.Phe290Leu (NM_001369803.2, NM_001369804.2, NM_001369805.2); short protein forms F213L, F235L, F290L.
Identifiers: ClinVar variation 4086840 (VCV004086840.3).